The following is an entry in ClinVar:

ClinVar aggregate classification (germline): Conflicting classifications of pathogenicity. Review status: criteria provided, conflicting classifications (1 of 4 stars). 3 submissions from 3 submitters: Uncertain significance (2); Likely benign (1). Last evaluated 2025-05-07.

Conditions:
Cardiovascular phenotype. Identifiers: MedGen CN230736.
RASopathy. Also called: Noonan spectrum disorder; rasopathies. Identifiers: Orphanet 536391, MedGen C5555857, MONDO:0021060.

Allele frequency attached by ClinVar (database versions not stated): gnomAD exomes below 0.00001; gnomAD 0.00001; TOPMed 0.00001.

Submissions (3):

Labcorp Genetics (formerly Invitae), Labcorp
Classification: Uncertain significance for RASopathy. Last evaluated: 2025-05-07. Review status: criteria provided, single submitter. Criteria: Invitae Variant Classification Sherloc (09022015). Collection method: clinical testing. Allele origin: germline.
Comment: This sequence change replaces alanine, which is neutral and non-polar, with serine, which is neutral and polar, at codon 602 of the CBL protein (p.Ala602Ser). This variant is not present in population databases (gnomAD no frequency). This variant has not been reported in the literature in individuals affected with CBL-related conditions. ClinVar contains an entry for this variant (Variation ID: 806749). Invitae Evidence Modeling of protein sequence and biophysical properties (such as structural, functional, and spatial information, amino acid conservation, physicochemical variation, residue mobility, and thermodynamic stability) indicates that this missense variant is not expected to disrupt CBL protein function with a negative predictive value of 95%. In summary, the available evidence is currently insufficient to determine the role of this variant in disease. Therefore, it has been classified as a Variant of Uncertain Significance.

Ambry Genetics
Classification: Uncertain significance for Cardiovascular phenotype. Last evaluated: 2025-03-07. Review status: criteria provided, single submitter. Criteria: Ambry Variant Classification Scheme 2023. Collection method: clinical testing. Allele origin: germline.
Comment: The p.A602S variant (also known as c.1804G>T), located in coding exon 11 of the CBL gene, results from a G to T substitution at nucleotide position 1804. The alanine at codon 602 is replaced by serine, an amino acid with similar properties. This amino acid position is conserved. In addition, this alteration is predicted to be tolerated by in silico analysis. Based on the available evidence, the clinical significance of this variant remains unclear.

CeGaT Center for Human Genetics Tuebingen
Classification: Likely benign. Last evaluated: 2019-02-01. Review status: criteria provided, single submitter. Criteria: CeGaT Center For Human Genetics Tuebingen Variant Classification Criteria Version 2. Collection method: clinical testing. Allele origin: germline. Affected: yes. Observed: 2 variant alleles.

NM_005188.4(CBL):c.1804G>T (p.Ala602Ser)

Gene: CBL (Cbl proto-oncogene; plus strand). Cytogenetic location: 11q23.3.
Variant type: single nucleotide variant.
Coding change: c.1804G>T on transcript NM_005188.4 (MANE Select); coding-DNA position 1804, G replaced by T.
Protein change: p.Ala602Ser; replaces alanine 602 with serine.
Molecular consequence: missense variant.
Genome position (GRCh38, 1-based): chr11:119,285,429, G>T. VCF-style: chr11-119285429-G-T. GRCh37 (hg19) VCF-style: chr11-119156139-G-T.
Other names: c.1804G>T (NM_005188.2); short protein forms A602S.
Identifiers: ClinVar variation 806749 (VCV000806749.47), dbSNP rs1365230067, ClinGen allele CA382920466.